The following is an entry in ClinVar:

ClinVar aggregate classification (germline): Likely pathogenic (1 of 4 stars; one submission).

Conditions:
Contractures, pterygia, and variable skeletal fusions syndrome 1B. Also called: CONTRACTURES, PTERYGIA, AND SPONDYLOCARPOTARSAL FUSION SYNDROME 1B. Identifiers: MedGen C5193114, MONDO:0020746, OMIM 618469.

Submission:

Dasa
Classification: Likely pathogenic for Contractures, pterygia, and variable skeletal fusions syndrome 1B. Last evaluated: 2025-10-28. Review status: criteria provided, single submitter. Criteria: DASA Assertion Criteria. Collection method: clinical testing. Allele origin: germline.
Comment: NM_002470.4(MYH3):c.5772_5773insT (p.Thr1925Tyrfs*15) is a frameshift variant in MYH3 predicted to alter the reading frame and introduce a premature termination codon and is predicted to result in an absent or altered protein product. Loss of function is an established disease mechanism for MYH3-associated disorders. Also, this variant is absent from population databases. Based on the currently available evidence, this variant is classified as likely pathogenic.

NM_002470.4(MYH3):c.5772_5773insT (p.Thr1925fs)

Gene: MYH3 (myosin heavy chain 3; minus strand). Cytogenetic location: 17p13.1.
Variant type: Insertion.
Coding change: c.5772_5773insT on transcript NM_002470.4 (MANE Select); coding-DNA positions 5772 to 5773, T inserted.
Protein change: p.Thr1925fs; shifts the reading frame from threonine 1925.
Molecular consequence: frameshift variant.
Genome position: GRCh38 VCF-style: chr17-10629620-T-TA. GRCh37 (hg19) VCF-style: chr17-10532937-T-TA.
Other names: short protein forms T1925fs.
Identifiers: ClinVar variation 4883939 (VCV004883939.2).